The following is an entry in ClinVar:

ClinVar aggregate classification (germline): Benign/Likely benign. Review status: criteria provided, multiple submitters, no conflicts (2 of 4 stars). 3 submissions from 3 submitters: Benign (1); Likely benign (2). Last evaluated 2026-05-08.

Conditions:
CENPE-related disorder. Also called: CENPE-related condition.

Allele frequency attached by ClinVar (database versions not stated): TOPMed 0.00032; 1000 Genomes Project 0.00040; ESP Exome Variant Server 0.00046; 1000 Genomes Project 30x 0.00047; gnomAD exomes 0.00066 and 0.00090; gnomAD 0.00081 and 0.00085; ExAC 0.00087.
gnomAD v4.1: 1,072 of 1,587,524 alleles (0.068%); highest among the groups gnomAD compares: Non-Finnish European, 0.052%; 2 homozygotes.

Submissions (3):

PreventionGenetics, part of Exact Sciences
Classification: Likely benign for CENPE-related condition. Last evaluated: 2026-05-08. Review status: criteria provided, single submitter. Criteria: ACMG Guidelines, 2015. Collection method: clinical testing. Allele origin: germline.
Comment: This variant is classified as likely benign based on ACMG/AMP sequence variant interpretation guidelines (Richards et al. 2015 PMID: 25741868, with internal and published modifications).

Blueprint Genetics
Classification: Likely benign. Last evaluated: 2024-11-17. Review status: criteria provided, single submitter. Criteria: ACMG Guidelines, 2015. Collection method: clinical testing. Allele origin: germline.

Labcorp Genetics (formerly Invitae), Labcorp
Classification: Benign. Last evaluated: 2018-06-26. Review status: criteria provided, single submitter. Criteria: Invitae Variant Classification Sherloc (09022015). Collection method: clinical testing. Allele origin: germline.

NM_001813.3(CENPE):c.6798A>G (p.Lys2266=)

Gene: CENPE (centromere protein E; minus strand). Cytogenetic location: 4q24.
Variant type: single nucleotide variant.
Coding change: c.6798A>G on transcript NM_001813.3 (MANE Select); coding-DNA position 6798, A replaced by G.
Protein change: p.Lys2266=; no amino-acid change (lysine 2266 retained).
Molecular consequence: synonymous variant.
Genome position (GRCh38, 1-based): chr4:103,132,819, T>C on the plus strand (A>G on the coding strand, the complement: CENPE is on the minus strand). VCF-style: chr4-103132819-T-C. GRCh37 (hg19) VCF-style: chr4-104053976-T-C.
Other names: c.6435A>G, p.Lys2145= (NM_001286734.2).
Identifiers: ClinVar variation 717194 (VCV000717194.5), dbSNP rs190225659, ClinGen allele CA3029290.